The following is an entry in ClinVar:

ClinVar aggregate classification (germline): Uncertain significance. Review status: criteria provided, multiple submitters, no conflicts (2 of 4 stars). 4 submissions from 4 submitters: Uncertain significance (3). 1 of the submissions does not count toward it. Last evaluated 2026-01-12.

Conditions:
Immunodeficiency 75. Also called: IMMUNODEFICIENCY 75 WITH LYMPHOPROLIFERATION. Identifiers: Orphanet 664729, MedGen C5436860, MONDO:0030858, OMIM 619126.

Allele frequency attached by ClinVar (database versions not stated): gnomAD exomes 0.00039 and 0.00052; ExAC 0.00040; TOPMed 0.00043; gnomAD 0.00053 and 0.00056; ESP Exome Variant Server 0.00062.
gnomAD v4.1: 833 of 1,614,014 alleles (0.052%); highest among the groups gnomAD compares: Middle Eastern, 0.26%; 1 homozygote.

Submissions (4):

Labcorp Genetics (formerly Invitae), Labcorp
Classification: Uncertain significance. Last evaluated: 2026-01-12. Review status: criteria provided, single submitter. Criteria: Invitae Variant Classification Sherloc (09022015). Collection method: clinical testing. Allele origin: germline.
Comment: This sequence change replaces glycine, which is neutral and non-polar, with arginine, which is basic and polar, at codon 429 of the TET2 protein (p.Gly429Arg). This variant is present in population databases (rs201642693, gnomAD 0.06%). This variant has not been reported in the literature in individuals affected with TET2-related conditions. ClinVar contains an entry for this variant (Variation ID: 135318). An algorithm developed to predict the effect of missense changes on protein structure and function (PolyPhen-2) suggests that this variant is likely to be disruptive. In summary, the available evidence is currently insufficient to determine the role of this variant in disease. Therefore, it has been classified as a Variant of Uncertain Significance.

GeneDx
Classification: Uncertain significance. Last evaluated: 2023-06-28. Review status: criteria provided, single submitter. Criteria: GeneDx Variant Classification Process June 2021. Collection method: clinical testing. Allele origin: germline. Affected: yes.
Comment: Identified in a bone marrow specimen from an individual with AML in published literature (Li et al., 2016) and in either a bone marrow specimen or in peripheral blood of an unrelated individual with AML (Gaidzik et al., 2012); In silico analysis supports that this missense variant does not alter protein structure/function; This variant is associated with the following publications: (PMID: 22430270, 24728327, 36580013, 26414667)

Baylor Genetics
Classification: Uncertain significance for Immunodeficiency 75. Last evaluated: 2022-08-08. Review status: criteria provided, single submitter. Criteria: ACMG Guidelines, 2015. Collection method: clinical testing. Allele origin: unknown.

ITMI
No classification provided. Condition: AllHighlyPenetrant. Last evaluated: 2013-09-19. Review status: no classification provided. Collection method: reference population. Allele origin: germline. Not counted in ClinVar's aggregate classification.
Comment: Please see associated publication for description of ethnicities

Literature cited by the submitters: PubMed 24728327 (cited by ITMI).

NM_001127208.3(TET2):c.1285G>A (p.Gly429Arg)

Genes: TET2 (tet methylcytosine dioxygenase 2; plus strand), TET2-AS1 (TET2 antisense RNA 1; minus strand). Cytogenetic location: 4q24.
Variant type: single nucleotide variant.
Coding change: c.1285G>A on transcript NM_001127208.3 (MANE Select); coding-DNA position 1285, G replaced by A.
Protein change: p.Gly429Arg; replaces glycine 429 with arginine.
Molecular consequence: missense variant.
Genome position (GRCh38, 1-based): chr4:105,235,227, G>A. VCF-style: chr4-105235227-G-A. GRCh37 (hg19) VCF-style: chr4-106156384-G-A.
Other names: c.1285G>A (NM_001127208.2); c.1285G>A, p.Gly429Arg (NM_017628.4); short protein forms G429R.
Identifiers: ClinVar variation 135318 (VCV000135318.6), dbSNP rs201642693, ClinGen allele CA162355.
Genomic context (GRCh38, chr4:105,235,227, plus strand): 5'-CCTCCTCCTCTTCCACAGGTTCCTCAGCTTCCTTCAGAAGGAAAAAGCACTCTGAATGGT[G>A]GAGTTTTAGAAGAACACCACCACTACCCCAACCAAAGTAACACAACACTTTTAAGGGAAG-3'
Protein context (NP_001120680.1, residues 419-439): PSEGKSTLNG[Gly429Arg]VLEEHHHYPN